The following is an entry in ClinVar:

NM_014516.4(CNOT3):c.929G>A (p.Ser310Asn)

Gene: CNOT3 (CCR4-NOT transcription complex subunit 3; plus strand). Cytogenetic location: 19q13.42.
Variant type: single nucleotide variant.
Coding change: c.929G>A on transcript NM_014516.4 (MANE Select); coding-DNA position 929, G replaced by A.
Protein change: p.Ser310Asn; replaces serine 310 with asparagine.
Molecular consequence: missense variant.
Genome position (GRCh38, 1-based): chr19:54,148,182, G>A. VCF-style: chr19-54148182-G-A. GRCh37 (hg19) VCF-style: chr19-54651917-G-A.
Other names: c.929G>A (NM_014516.3); short protein forms S310N.
Identifiers: ClinVar variation 1975822 (VCV001975822.6), dbSNP rs766226888, ClinGen allele CA309339543.
Genomic context (GRCh38, chr19:54,148,182, plus strand): 5'-GACCCTCTGCTCTCTCCCACCCGCAGTCTCCAGCCAAAAACGGCTCCAAGCCTGTCCACA[G>A]CAACCAGCACCCTCAGTCCCCAGCTGTGCCGCCCACCTACCCCTCCGGCCCCCCGCCTGC-3'
Protein context (NP_055331.1, residues 300-320): PAKNGSKPVH[Ser310Asn]NQHPQSPAVP

ClinVar aggregate classification (germline): Conflicting classifications of pathogenicity. Review status: criteria provided, conflicting classifications (1 of 4 stars). 2 submissions from 2 submitters: Uncertain significance (1); Likely benign (1). Last evaluated 2024-06-24.

Conditions:
Inborn genetic diseases. Identifiers: MedGen C0950123, MeSH D030342.

Allele frequency attached by ClinVar (database versions not stated): gnomAD exomes 0.00003; TOPMed 0.00005; gnomAD 0.00006; ExAC 0.00016.
gnomAD v4.1: 48 of 1,562,788 alleles (0.0031%); highest among the groups gnomAD compares: Non-Finnish European, 0.0037%; no homozygotes.

Submissions (2):

Labcorp Genetics (formerly Invitae), Labcorp
Classification: Uncertain significance. Last evaluated: 2024-06-24. Review status: criteria provided, single submitter. Criteria: Invitae Variant Classification Sherloc (09022015). Collection method: clinical testing. Allele origin: germline.
Comment: This sequence change replaces serine, which is neutral and polar, with asparagine, which is neutral and polar, at codon 310 of the CNOT3 protein (p.Ser310Asn). The frequency data for this variant in the population databases is considered unreliable, as metrics indicate poor data quality at this position in the gnomAD database. This variant has not been reported in the literature in individuals affected with CNOT3-related conditions. ClinVar contains an entry for this variant (Variation ID: 1975822). An algorithm developed to predict the effect of missense changes on protein structure and function (PolyPhen-2) suggests that this variant is likely to be tolerated. In summary, the available evidence is currently insufficient to determine the role of this variant in disease. Therefore, it has been classified as a Variant of Uncertain Significance.

Ambry Genetics
Classification: Likely benign for Inborn genetic diseases. Last evaluated: 2024-02-27. Review status: criteria provided, single submitter. Criteria: Ambry Variant Classification Scheme 2023. Collection method: clinical testing. Allele origin: germline.